The following is an entry in ClinVar:

ClinVar aggregate classification (germline): Uncertain significance (1 of 4 stars; one submission).

Submission:

GeneDx
Classification: Uncertain significance. Last evaluated: 2022-06-03. Review status: criteria provided, single submitter. Criteria: GeneDx Variant Classification Process June 2021. Collection method: clinical testing. Allele origin: germline. Affected: yes.
Comment: Not observed at significant frequency in large population cohorts (gnomAD); Canonical splice site variant in a gene or region of a gene for which loss of function is not a well-established mechanism of disease; Has not been previously published as pathogenic or benign to our knowledge

NM_001394062.1(MACF1):c.11200-1G>C

Gene: MACF1 (microtubule actin crosslinking factor 1; plus strand). Cytogenetic location: 1p34.3.
Variant type: single nucleotide variant.
Coding change: c.11200-1G>C on transcript NM_001394062.1 (MANE Select); the canonical splice acceptor site of the intron before coding-DNA position 11200, G replaced by C.
Molecular consequence: splice acceptor variant.
Genome position (GRCh38, 1-based): chr1:39,353,006, G>C. VCF-style: chr1-39353006-G-C. GRCh37 (hg19) VCF-style: chr1-39818678-G-C.
Other names: c.5014-1G>C (NM_012090.5).
Identifiers: ClinVar variation 1801951 (VCV001801951.1), dbSNP rs2522291171, ClinGen allele CA339815576.